The following is an entry in ClinVar:

ClinVar aggregate classification (germline): Uncertain significance (1 of 4 stars; one submission).

Conditions:
DMRT2-related disorder. Also called: DMRT2-related condition.

Submission:

3billion
Classification: Uncertain significance for DMRT2-related disorder. Last evaluated: 2025-12-29. Review status: criteria provided, single submitter. Criteria: ACMG Guidelines, 2015. Collection method: clinical testing. Allele origin: germline. Affected: yes.
Comment: The variant is not observed in the gnomAD v4.1.0 dataset. Predicted Consequence/Location: Missense variant In silico tool predictions suggest damaging effect of the variant on gene or gene product [REVEL: 0.49 (>=0.6, sensitivity 0.68 and specificity 0.92); 3Cnet: 0.92 (> 0.75, sensitivity 0.96 and precision 0.92)]. Different missense changes at the same codon have been reported as of uncertain significance (ClinVar ID: VCV002711545). Therefore, this variant is classified as VUS according to the recommendation of ACMG/AMP guideline.

NM_181872.6(DMRT2):c.380G>C (p.Arg127Pro)

Gene: DMRT2 (doublesex and mab-3 related transcription factor 2; plus strand). Cytogenetic location: 9p24.3.
Variant type: single nucleotide variant.
Coding change: c.380G>C on transcript NM_181872.6 (MANE Select); coding-DNA position 380, G replaced by C.
Protein change: p.Arg127Pro; replaces arginine 127 with proline.
Molecular consequence: missense variant. On other transcripts: non-coding transcript variant (1), 5 prime UTR variant (1).
Genome position (GRCh38, 1-based): chr9:1,051,993, G>C. VCF-style: chr9-1051993-G-C. GRCh37 (hg19) VCF-style: chr9-1051993-G-C.
Other names: c.380G>C, p.Arg127Pro (NM_001387559.1, NM_006557.7, NM_001130865.3 and 4 more transcripts); c.-271G>C (NM_001370532.1); short protein forms R127P.
Identifiers: ClinVar variation 4855004 (VCV004855004.1).